The following is an entry in ClinVar:

NM_030665.4(RAI1):c.1390G>A (p.Gly464Ser)

Gene: RAI1 (retinoic acid induced 1; plus strand). Cytogenetic location: 17p11.2.
Variant type: single nucleotide variant.
Coding change: c.1390G>A on transcript NM_030665.4 (MANE Select); coding-DNA position 1390, G replaced by A.
Protein change: p.Gly464Ser; replaces glycine 464 with serine.
Molecular consequence: missense variant.
Genome position (GRCh38, 1-based): chr17:17,794,338, G>A. VCF-style: chr17-17794338-G-A. GRCh37 (hg19) VCF-style: chr17-17697652-G-A.
Other names: c.1390G>A (NM_030665.3); short protein forms G464S.
Identifiers: ClinVar variation 3705508 (VCV003705508.3).

ClinVar aggregate classification (germline): Uncertain significance. Review status: criteria provided, multiple submitters, no conflicts (2 of 4 stars). 2 submissions from 2 submitters: Uncertain significance (2). Last evaluated 2025-01-29.

Conditions:
RAI1-related disorder. Also called: RAI1-related condition.

Submissions (2):

PreventionGenetics, part of Exact Sciences
Classification: Uncertain significance for RAI1-related condition. Last evaluated: 2025-01-29. Review status: criteria provided, single submitter. Criteria: ACMG Guidelines, 2015. Collection method: clinical testing. Allele origin: germline.
Comment: The RAI1 c.1390G>A variant is predicted to result in the amino acid substitution p.Gly464Ser. To our knowledge, this variant has not been reported in the literature. This variant is reported in 0.0% of alleles in individuals of African descent in gnomAD. At this time, the clinical significance of this variant is uncertain due to the absence of conclusive functional and genetic evidence.

Labcorp Genetics (formerly Invitae), Labcorp
Classification: Uncertain significance. Last evaluated: 2024-07-31. Review status: criteria provided, single submitter. Criteria: Invitae Variant Classification Sherloc (09022015). Collection method: clinical testing. Allele origin: germline.
Comment: This sequence change replaces glycine, which is neutral and non-polar, with serine, which is neutral and polar, at codon 464 of the RAI1 protein (p.Gly464Ser). This variant is present in population databases (rs759505983, gnomAD no frequency). This variant has not been reported in the literature in individuals affected with RAI1-related conditions. Advanced modeling of protein sequence and biophysical properties (such as structural, functional, and spatial information, amino acid conservation, physicochemical variation, residue mobility, and thermodynamic stability) performed at Invitae indicates that this missense variant is not expected to disrupt RAI1 protein function with a negative predictive value of 80%. In summary, the available evidence is currently insufficient to determine the role of this variant in disease. Therefore, it has been classified as a Variant of Uncertain Significance.